The following is an entry in ClinVar:

NM_001943.5(DSG2):c.153G>A (p.Trp51Ter)

Gene: DSG2 (desmoglein 2; plus strand). Cytogenetic location: 18q12.1.
Variant type: single nucleotide variant.
Coding change: c.153G>A on transcript NM_001943.5 (MANE Select); coding-DNA position 153, G replaced by A.
Protein change: p.Trp51Ter; replaces tryptophan 51 with a stop codon.
Molecular consequence: nonsense.
Genome position (GRCh38, 1-based): chr18:31,519,874, G>A. VCF-style: chr18-31519874-G-A. GRCh37 (hg19) VCF-style: chr18-29099837-G-A.
Other names: short protein forms W51*.
Identifiers: ClinVar variation 4614018 (VCV004614018.1).

ClinVar aggregate classification (germline): Pathogenic (1 of 4 stars; one submission).

Conditions:
Cardiovascular phenotype. Identifiers: MedGen CN230736.

Submission:

Ambry Genetics
Classification: Pathogenic for Cardiovascular phenotype. Last evaluated: 2025-11-06. Review status: criteria provided, single submitter. Criteria: Ambry Variant Classification Scheme 2023. Collection method: clinical testing. Allele origin: germline.
Comment: The p.W51* pathogenic mutation (also known as c.153G>A), located in coding exon 3 of the DSG2 gene, results from a G to A substitution at nucleotide position 153. This changes the amino acid from a tryptophan to a stop codon within coding exon 3. This variant is considered to be rare based on population cohorts in the Genome Aggregation Database (gnomAD). This alteration is expected to result in loss of function by premature protein truncation or nonsense-mediated mRNA decay. As such, this alteration is interpreted as a disease-causing mutation.